The following is an entry in ClinVar:

ClinVar aggregate classification (germline): Likely benign. Review status: criteria provided, multiple submitters, no conflicts (2 of 4 stars). 4 submissions from 4 submitters: Likely benign (3). 1 of the submissions does not count toward it. Last evaluated 2025-12-24.

Conditions:
MSH3-related disorder. Also called: MSH3-related condition.
Hereditary cancer-predisposing syndrome. Also called: Tumor predisposition; Neoplastic Syndromes, Hereditary; Hereditary Cancer Syndrome; Hereditary neoplastic syndrome. Identifiers: Orphanet 140162, MedGen C0027672, MeSH D009386, MONDO:0015356.

Allele frequency attached by ClinVar (database versions not stated): gnomAD exomes 0.00001 and 0.00002; ExAC 0.00003; gnomAD 0.00006 and 0.00007; TOPMed 0.00006.
gnomAD v4.1: 23 of 1,614,000 alleles (0.0014%); highest among the groups gnomAD compares: African/African-American, 0.027%; 1 homozygote.

Submissions (4):

Labcorp Genetics (formerly Invitae), Labcorp
Classification: Likely benign. Last evaluated: 2025-12-24. Review status: criteria provided, single submitter. Criteria: Invitae Variant Classification Sherloc (09022015). Collection method: clinical testing. Allele origin: germline.

Ambry Genetics
Classification: Likely benign for Hereditary cancer-predisposing syndrome. Last evaluated: 2020-06-01. Review status: criteria provided, single submitter. Criteria: Ambry Variant Classification Scheme 2023. Collection method: clinical testing. Allele origin: germline.

Breakthrough Genomics
Classification: Likely benign. Review status: criteria provided, single submitter. Criteria: ACMG Guidelines, 2015. Collection method: not provided. Allele origin: germline. Inheritance: Autosomal recessive inheritance. Affected: yes.

PreventionGenetics, part of Exact Sciences
Classification: Likely benign for MSH3-related condition. Last evaluated: 2022-09-06. Review status: no assertion criteria provided. Collection method: clinical testing. Allele origin: germline. Not counted in ClinVar's aggregate classification.
Comment: This variant is classified as likely benign based on ACMG/AMP sequence variant interpretation guidelines (Richards et al. 2015 PMID: 25741868, with internal and published modifications).

NM_002439.5(MSH3):c.1251G>A (p.Arg417=)

Gene: MSH3 (mutS homolog 3; plus strand). Cytogenetic location: 5q14.1.
Variant type: single nucleotide variant.
Coding change: c.1251G>A on transcript NM_002439.5 (MANE Select); coding-DNA position 1251, G replaced by A.
Protein change: p.Arg417=; no amino-acid change (arginine 417 retained).
Molecular consequence: synonymous variant.
Genome position (GRCh38, 1-based): chr5:80,679,004, G>A. VCF-style: chr5-80679004-G-A. GRCh37 (hg19) VCF-style: chr5-79974823-G-A.
Identifiers: ClinVar variation 758495 (VCV000758495.16), dbSNP rs747491180, ClinGen allele CA3327841.
Genomic context (GRCh38, chr5:80,679,004, plus strand): 5'-AGGCGAGGTTGTGTTTGATAGTTTCCAGGACTCTGCTTCTCGTTCAGAGCTAGAAACCCG[G>A]ATGTCAAGCCTGCAGCCAGTAGAGCTGCTGCTTCCTTCGGCCTTGTCCGAGCAAACAGAG-3'
Protein context (NP_002430.3, residues 407-427): DSASRSELET[Arg417=]MSSLQPVELL